The following is an entry in ClinVar:

ClinVar aggregate classification (germline): Likely benign (0 of 4 stars; one submission).

Conditions:
ASIC5-related disorder. Also called: ASIC5-related condition.

Allele frequency attached by ClinVar (database versions not stated): gnomAD exomes 0.00011; ExAC 0.00042; 1000 Genomes Project 30x 0.00141; gnomAD 0.00146; 1000 Genomes Project 0.00160; TOPMed 0.00169; ESP Exome Variant Server 0.00254.
gnomAD v4.1: 396 of 1,613,284 alleles (0.025%); highest among the groups gnomAD compares: African/African-American, 0.48%; 1 homozygote.

Submission:

PreventionGenetics, part of Exact Sciences
Classification: Likely benign for ASIC5-related condition. Last evaluated: 2023-07-12. Review status: no assertion criteria provided. Collection method: clinical testing. Allele origin: germline.
Comment: This variant is classified as likely benign based on ACMG/AMP sequence variant interpretation guidelines (Richards et al. 2015 PMID: 25741868, with internal and published modifications).

NM_017419.3(ASIC5):c.65G>T (p.Cys22Phe)

Gene: ASIC5 (acid sensing ion channel subunit family member 5; minus strand). Cytogenetic location: 4q32.1.
Variant type: single nucleotide variant.
Coding change: c.65G>T on transcript NM_017419.3 (MANE Select); coding-DNA position 65, G replaced by T.
Protein change: p.Cys22Phe; replaces cysteine 22 with phenylalanine.
Molecular consequence: missense variant.
Genome position (GRCh38, 1-based): chr4:155,863,730, C>A on the plus strand (G>T on the coding strand, the complement: ASIC5 is on the minus strand). VCF-style: chr4-155863730-C-A. GRCh37 (hg19) VCF-style: chr4-156784882-C-A.
Other names: short protein forms C22F.
Identifiers: ClinVar variation 3038790 (VCV003038790.2), dbSNP rs148021215, ClinGen allele CA3118537.